The following is an entry in ClinVar:

ClinVar aggregate classification (germline): Pathogenic (0 of 4 stars; one submission).

Conditions:
Pyruvate dehydrogenase E1-alpha deficiency (PDHAD). Also called: ATAXIA, INTERMITTENT, WITH PYRUVATE DEHYDROGENASE DEFICIENCY; ATAXIA WITH LACTIC ACIDOSIS I; ATAXIA, INTERMITTENT, WITH ABNORMAL PYRUVATE METABOLISM; Ataxia, intermittent, with pyruvate dehydrogenase, or decarboxylase, deficiency. Identifiers: Orphanet 79243, MedGen C1839413, MONDO:0010717, OMIM 312170.

Submission:

PDHA1 Study Group, University Children’s Hospital, Paracelsus Medical University
Classification: Pathogenic for Pyruvate dehydrogenase E1-alpha deficiency. Last evaluated: 2024-10-15. Review status: no assertion criteria provided. Collection method: research. Allele origin: de novo. Affected: yes. Observed: 1 variant allele.
Comment: The NM_000284.3:c.1143_1154del (p.Asn381_Ile384del) change is a deletion-insertion (delins) variant in PDHA1 gene. Among them, 1 case had confirmed de novo occurrence. The variant has been reported in 1 published case (PMIDs: 20002461). Last literature search: July 12, 2024. This variant is absent or extremely rare in population-based cohorts in the Genome Aggregation Database (gnomAD). Individuals harboring this variant presented with clinical features compatible with PDHA1-related PDHc deficiency. In summary, this variant meets criteria to be classified as pathogenic (P) for PDHA1-related PDHc deficiency based on the ACMG/AMP criteria applied: PVS1, PS2, PM2, PM7 (last assessment October 15, 2024).

Literature cited by the submitters: PubMed 20002461; DOI 10.1093/brain/awaf430.

NM_000284.4(PDHA1):c.1143_1154del (p.Asn381_Ile384del)

Gene: PDHA1 (pyruvate dehydrogenase E1 subunit alpha 1; plus strand). Cytogenetic location: Xp22.12.
Variant type: Deletion.
Coding change: c.1143_1154del on transcript NM_000284.4 (MANE Select); coding-DNA positions 1143 to 1154, 12 bases deleted (TCAGTGGATCAA).
Protein change: p.Asn381_Ile384del.
Molecular consequence: inframe deletion.
Genome position (GRCh38, 1-based): chrX:19,359,623-19,359,634, TCAGTGGATCAA deleted; deleting any 12 consecutive bases within chrX:19,359,620-19,359,634 gives the same sequence; the c. name uses the placement nearest the transcript's 3' end. VCF-style (leftmost placement, unchanged base first): chrX-19359619-CCAATCAGTGGAT-C. GRCh37 (hg19) VCF-style: chrX-19377737-CCAATCAGTGGAT-C.
Other names: c.1257_1268del, p.Asn419_Ile422del (NM_001173454.2); c.1164_1175del, p.Asn388_Ile391del (NM_001173455.2); c.1050_1061del, p.Asn350_Ile353del (NM_001173456.2).
Identifiers: ClinVar variation 4070473 (VCV004070473.1).